The following is an entry in ClinVar:

NM_000834.5(GRIN2B):c.3577G>A (p.Val1193Ile)

Gene: GRIN2B (glutamate ionotropic receptor NMDA type subunit 2B; minus strand). Cytogenetic location: 12p13.1.
Variant type: single nucleotide variant.
Coding change: c.3577G>A on transcript NM_000834.5 (MANE Select); coding-DNA position 3577, G replaced by A.
Protein change: p.Val1193Ile; replaces valine 1193 with isoleucine.
Molecular consequence: missense variant.
Genome position (GRCh38, 1-based): chr12:13,563,661, C>T on the plus strand (G>A on the coding strand, the complement: GRIN2B is on the minus strand). VCF-style: chr12-13563661-C-T. GRCh37 (hg19) VCF-style: chr12-13716595-C-T.
Other names: short protein forms V1193I.
Identifiers: ClinVar variation 1477695 (VCV001477695.8), dbSNP rs201861590, ClinGen allele CA233133565.
Genomic context (GRCh38, chr12:13,563,661, plus strand): 5'-TGCCCCCGGACCGGTCCTCCCACTCCACGTTGGTCAGGTTCTTCTCCCAAGGTGCAGGTA[C>T]CCCGCTGACCACGCCGTGTTTGTCGCCCGTCCCGTGCTTGATGTGAGACCTGTTGGTACA-3'
Protein context (NP_000825.2, residues 1183-1203): TGDKHGVVSG[Val1193Ile]PAPWEKNLTN

ClinVar aggregate classification (germline): Uncertain significance (1 of 4 stars; one submission).

Conditions:
Intellectual developmental disorder, autosomal dominant 6, with or without seizures. Also called: Intellectual disability, autosomal dominant 6; GRIN2B-related developmental delay, intellectual disability and autism spectrum disorder. Identifiers: Orphanet 589547, MedGen C3151411, MONDO:0013509, OMIM 613970.
Developmental and epileptic encephalopathy, 27 (DEE27). Also called: Epileptic encephalopathy, early infantile, 27; GRIN2B-Related Neurodevelopmental Disorder. Identifiers: Orphanet 3451, MedGen C4015316, MONDO:0014505, OMIM 616139.

Submission:

Labcorp Genetics (formerly Invitae), Labcorp
Classification: Uncertain significance for Developmental and epileptic encephalopathy, 27; Intellectual developmental disorder, autosomal dominant 6, with or without seizures. Last evaluated: 2021-05-20. Review status: criteria provided, single submitter. Criteria: Invitae Variant Classification Sherloc (09022015). Collection method: clinical testing. Allele origin: germline.
Comment: This variant has been observed in individual(s) with clinical features of GRIN2B-related conditions (Invitae). In summary, the available evidence is currently insufficient to determine the role of this variant in disease. Therefore, it has been classified as a Variant of Uncertain Significance. Advanced modeling of protein sequence and biophysical properties (such as structural, functional, and spatial information, amino acid conservation, physicochemical variation, residue mobility, and thermodynamic stability) performed at Invitae indicates that this missense variant is not expected to disrupt GRIN2B protein function. This variant is not present in population databases (ExAC no frequency). This sequence change replaces valine with isoleucine at codon 1193 of the GRIN2B protein (p.Val1193Ile). The valine residue is moderately conserved and there is a small physicochemical difference between valine and isoleucine.